The following is an entry in ClinVar:

NM_000090.4(COL3A1):c.2110G>A (p.Glu704Lys)

Gene: COL3A1 (collagen type III alpha 1 chain; plus strand). Cytogenetic location: 2q32.2.
Variant type: single nucleotide variant.
Coding change: c.2110G>A on transcript NM_000090.4 (MANE Select); coding-DNA position 2110, G replaced by A.
Protein change: p.Glu704Lys; replaces glutamic acid 704 with lysine.
Molecular consequence: missense variant.
Genome position (GRCh38, 1-based): chr2:188,999,372, G>A. VCF-style: chr2-188999372-G-A. GRCh37 (hg19) VCF-style: chr2-189864098-G-A.
Other names: short protein forms E704K.
Identifiers: ClinVar variation 208865 (VCV000208865.15), dbSNP rs863223362, ClinGen allele CA279199.
Genomic context (GRCh38, chr2:188,999,372, plus strand): 5'-GGACCTCCTGGATTGGCAGGGGCCCCAGGACTTAGAGGTGGAGCTGGTCCCCCTGGTCCC[G>A]AAGGAGGAAAGGTAACTCCACAGCATTCCATTCACCTAGGTTTAAAAAATGCATTTGATT-3'
Protein context (NP_000081.2, residues 694-714): LRGGAGPPGP[Glu704Lys]GGKGAAGPPG

ClinVar aggregate classification (germline): Uncertain significance. Review status: criteria provided, multiple submitters, no conflicts (2 of 4 stars). 5 submissions from 5 submitters: Uncertain significance (4). 1 of the submissions does not count toward it. Last evaluated 2026-01-26.

Conditions:
Polymicrogyria with or without vascular-type Ehlers-Danlos syndrome. Identifiers: Orphanet 636941, MedGen C5193040, MONDO:0032688, OMIM 618343.
Ehlers-Danlos syndrome, type 4 (EDSVASC). Also called: Ehlers-Danlos syndrome vascular type; Ehlers Danlos syndrome, ecchymotic type; Ehlers Danlos syndrome, arterial type; Ehlers Danlos syndrome, Sack-Barabas type; Ehlers-Danlos Syndrome Type IV. Identifiers: Orphanet 286, MedGen C0268338, MONDO:0017314, OMIM 130050.
Abnormality of neuronal migration. Identifiers: MedGen C1837249, HP:0002269.
Familial thoracic aortic aneurysm and aortic dissection (TAAD). Also called: Thoracic aortic aneurysms and dissections. Identifiers: Orphanet 91387, MedGen C4707243, MONDO:0019625.

Allele frequency attached by ClinVar (database versions not stated): gnomAD exomes 0.00001; TOPMed 0.00001; gnomAD 0.00002.
gnomAD v4.1: 20 of 1,609,228 alleles (0.0012%); highest among the groups gnomAD compares: Non-Finnish European, 0.0015%; no homozygotes.

Submissions (5):

Labcorp Genetics (formerly Invitae), Labcorp
Classification: Uncertain significance for Ehlers-Danlos syndrome, type 4. Last evaluated: 2026-01-26. Review status: criteria provided, single submitter. Criteria: Invitae Variant Classification Sherloc (09022015). Collection method: clinical testing. Allele origin: germline.
Comment: This sequence change replaces glutamic acid, which is acidic and polar, with lysine, which is basic and polar, at codon 704 of the COL3A1 protein (p.Glu704Lys). This variant is present in population databases (no rsID available, gnomAD 0.002%). This missense change has been observed in individual(s) with Ehlers-Danlos syndrome (PMID: 35587586, 37937776). ClinVar contains an entry for this variant (Variation ID: 208865). Invitae Evidence Modeling of protein sequence and biophysical properties (such as structural, functional, and spatial information, amino acid conservation, physicochemical variation, residue mobility, and thermodynamic stability) indicates that this missense variant is not expected to disrupt COL3A1 protein function with a negative predictive value of 95%. In summary, the available evidence is currently insufficient to determine the role of this variant in disease. Therefore, it has been classified as a Variant of Uncertain Significance.

Color Diagnostics, LLC DBA Color Health
Classification: Uncertain significance for Familial thoracic aortic aneurysm and aortic dissection. Last evaluated: 2024-06-25. Review status: criteria provided, single submitter. Criteria: ACMG Guidelines, 2015. Collection method: clinical testing. Allele origin: germline.
Comment: This missense variant replaces glutamic acid with lysine at codon 704 of the COL3A1 protein. Computational prediction tools indicate that this variant has a neutral impact on protein structure and function. To our knowledge, functional studies have not been reported for this variant. This variant has been reported in an individual affected with classical Ehlers-Danlos syndrome (PMID: 35587586). This variant has been identified in 2/269614 chromosomes in the general population by the Genome Aggregation Database (gnomAD). The available evidence is insufficient to determine the role of this variant in disease conclusively. Therefore, this variant is classified as a Variant of Uncertain Significance.

Fulgent Genetics
Classification: Uncertain significance for Ehlers-Danlos syndrome, type 4; Polymicrogyria with or without vascular-type Ehlers-Danlos syndrome. Last evaluated: 2022-04-11. Review status: criteria provided, single submitter. Criteria: ACMG Guidelines, 2015. Collection method: clinical testing. Allele origin: unknown.

Blueprint Genetics
Classification: Uncertain significance. Last evaluated: 2020-07-30. Review status: criteria provided, single submitter. Criteria: ACMG Guidelines, 2015. Collection method: clinical testing. Allele origin: germline.

Génétique et pathophysiologie de maladies neurodéveloppementales et épileptogènes, Institut de génétique et de biologie moléculaire et cellulaire
Classification: Benign for Malformation of Cortical Development. Last evaluated: 2014-10-31. Review status: no assertion criteria provided. Collection method: clinical testing. Allele origin: de novo. Affected: yes. Observed: 1 variant allele, 1 heterozygote. Not counted in ClinVar's aggregate classification.

Literature cited by the submitters: PubMed 35587586 (cited by Labcorp Genetics (formerly Invitae), Labcorp and Color Diagnostics, LLC DBA Color Health); PubMed 37937776 (cited by Labcorp Genetics (formerly Invitae), Labcorp).